The following is an entry in ClinVar:

ClinVar aggregate classification (germline): Uncertain significance (1 of 4 stars; one submission).

Allele frequency attached by ClinVar (database versions not stated): gnomAD 0.00001; gnomAD exomes below 0.00001.
gnomAD v4.1: 3 of 1,612,414 alleles (0.00019%); highest among the groups gnomAD compares: African/African-American, 0.004%; no homozygotes.

Submission:

Labcorp Genetics (formerly Invitae), Labcorp
Classification: Uncertain significance. Last evaluated: 2025-02-17. Review status: criteria provided, single submitter. Criteria: Invitae Variant Classification Sherloc (09022015). Collection method: clinical testing. Allele origin: germline.
Comment: This sequence change replaces glutamic acid with lysine at codon 226 of the RIPK1 protein (p.Glu226Lys). The glutamic acid residue is highly conserved and there is a small physicochemical difference between glutamic acid and lysine. This variant is not present in population databases (gnomAD no frequency). This variant has not been reported in the literature in individuals affected with RIPK1-related conditions. ClinVar contains an entry for this variant (Variation ID: 1353225). An algorithm developed to predict the effect of missense changes on protein structure and function (PolyPhen-2) suggests that this variant is likely to be disruptive. In summary, the available evidence is currently insufficient to determine the role of this variant in disease. Therefore, it has been classified as a Variant of Uncertain Significance.

NM_001354930.2(RIPK1):c.676G>A (p.Glu226Lys)

Gene: RIPK1 (receptor interacting serine/threonine kinase 1; plus strand). Cytogenetic location: 6p25.2.
Variant type: single nucleotide variant.
Coding change: c.676G>A on transcript NM_001354930.2 (MANE Select); coding-DNA position 676, G replaced by A.
Protein change: p.Glu226Lys; replaces glutamic acid 226 with lysine.
Molecular consequence: missense variant.
Genome position (GRCh38, 1-based): chr6:3,083,301, G>A. VCF-style: chr6-3083301-G-A. GRCh37 (hg19) VCF-style: chr6-3083535-G-A.
Other names: c.187G>A, p.Glu63Lys (NM_001354932.2, NM_001354933.2, NM_001354934.2 and 1 more transcripts); c.676G>A, p.Glu226Lys (NM_003804.6); c.538G>A, p.Glu180Lys (NM_001354931.2); short protein forms E226K, E63K, E180K.
Identifiers: ClinVar variation 1353225 (VCV001353225.6), dbSNP rs1335382838, ClinGen allele CA362579438.